The following is an entry in ClinVar:

NM_032242.4(PLXNA1):c.4670-3C>T

Gene: PLXNA1 (plexin A1; plus strand). Cytogenetic location: 3q21.3.
Variant type: single nucleotide variant.
Coding change: c.4670-3C>T on transcript NM_032242.4 (MANE Select); 3 bases into the intron before coding-DNA position 4670, C replaced by T.
Molecular consequence: intron variant.
Genome position (GRCh38, 1-based): chr3:127,028,990, C>T. VCF-style: chr3-127028990-C-T. GRCh37 (hg19) VCF-style: chr3-126747833-C-T.
Identifiers: ClinVar variation 3352663 (VCV003352663.1).

ClinVar aggregate classification (germline): Likely benign (0 of 4 stars; one submission).

Conditions:
PLXNA1-related disorder. Also called: PLXNA1-related condition.

Submission:

PreventionGenetics, part of Exact Sciences
Classification: Likely benign for PLXNA1-related condition. Last evaluated: 2023-07-07. Review status: no assertion criteria provided. Collection method: clinical testing. Allele origin: germline.
Comment: This variant is classified as likely benign based on ACMG/AMP sequence variant interpretation guidelines (Richards et al. 2015 PMID: 25741868, with internal and published modifications).